The following is an entry in ClinVar:

NM_001009944.3(PKD1):c.146T>G (p.Val49Gly)

Gene: PKD1 (polycystin 1, transient receptor potential channel interacting; minus strand). Cytogenetic location: 16p13.3.
Variant type: single nucleotide variant.
Coding change: c.146T>G on transcript NM_001009944.3 (MANE Select); coding-DNA position 146, T replaced by G.
Protein change: p.Val49Gly; replaces valine 49 with glycine.
Molecular consequence: missense variant.
Genome position (GRCh38, 1-based): chr16:2,135,544, A>C on the plus strand (T>G on the coding strand, the complement: PKD1 is on the minus strand). VCF-style: chr16-2135544-A-C. GRCh37 (hg19) VCF-style: chr16-2185545-A-C.
Other names: c.146T>G, p.Val49Gly (NM_000296.4); short protein forms V49G.
Identifiers: ClinVar variation 3342269 (VCV003342269.1).
Genomic context (GRCh38, chr16:2,135,544, plus strand): 5'-GCGTCCGCGGGGATGCGCAGCGCGGGACCGAGCGTCCGCAGCCCGCGGCCCGAGCAGTTG[A>C]CGCGGCAGGCGGCGCCGGGCGCTGGGCCGCAGAGGCAGGGGGGCTCGCAGGGCCCGCAGC-3'
Protein context (NP_001009944.3, residues 39-59): CGPAPGAACR[Val49Gly]NCSGRGLRTL

ClinVar aggregate classification (germline): Uncertain significance (1 of 4 stars; one submission).

Conditions:
Polycystic kidney disease, adult type (PKD1). Also called: Polycystic Kidney, Autosomal Dominant; POLYCYSTIC KIDNEY DISEASE 1 WITH OR WITHOUT POLYCYSTIC LIVER DISEASE; POLYCYSTIC KIDNEY DISEASE, ADULT, TYPE I; Polycystic Kidney Disease 1, Autosomal Dominant; Polycystic kidney disease 1; Polycystic kidney disease 1, severe. Identifiers: MedGen C3149841, MONDO:0008263, OMIM 173900.

Submission:

MVZ Medizinische Genetik Mainz
Classification: Uncertain significance for Polycystic kidney disease, adult type. Last evaluated: 2024-09-06. Review status: criteria provided, single submitter. Criteria: UK Practice Guidelines For Variant Classification V4 01 2020. Collection method: clinical testing. Allele origin: germline. Inheritance: Autosomal dominant inheritance. Affected: yes. Observed: 1 variant allele.
Comment: ACMG Criteria: PM2_SUP